The following is an entry in ClinVar:

ClinVar aggregate classification (germline): Uncertain significance (1 of 4 stars; one submission).

Conditions:
Familial thoracic aortic aneurysm and aortic dissection (TAAD). Also called: Thoracic aortic aneurysms and dissections. Identifiers: Orphanet 91387, MedGen C4707243, MONDO:0019625.
Hereditary cancer-predisposing syndrome. Also called: Neoplastic Syndromes, Hereditary; Tumor predisposition; Hereditary Cancer Syndrome; Hereditary neoplastic syndrome. Identifiers: Orphanet 140162, MedGen C0027672, MeSH D009386, MONDO:0015356.

Submission:

Ambry Genetics
Classification: Uncertain significance for Hereditary cancer-predisposing syndrome; Familial thoracic aortic aneurysm and aortic dissection. Last evaluated: 2025-07-24. Review status: criteria provided, single submitter. Criteria: Ambry Variant Classification Scheme 2023. Collection method: clinical testing. Allele origin: germline.
Comment: The p.P257S variant (also known as c.769C>T), located in coding exon 5 of the SMAD4 gene, results from a C to T substitution at nucleotide position 769. The proline at codon 257 is replaced by serine, an amino acid with similar properties. This amino acid position is highly conserved in available vertebrate species. In addition, the in silico prediction for this alteration is inconclusive. Based on the available evidence, the clinical significance of this variant remains unclear.

NM_005359.6(SMAD4):c.769C>T (p.Pro257Ser)

Gene: SMAD4 (SMAD family member 4; plus strand). Cytogenetic location: 18q21.2.
Variant type: single nucleotide variant.
Coding change: c.769C>T on transcript NM_005359.6 (MANE Select); coding-DNA position 769, C replaced by T.
Protein change: p.Pro257Ser; replaces proline 257 with serine.
Molecular consequence: missense variant. On other transcripts: non-coding transcript variant (2).
Genome position (GRCh38, 1-based): chr18:51,058,226, C>T. VCF-style: chr18-51058226-C-T. GRCh37 (hg19) VCF-style: chr18-48584596-C-T.
Other names: c.769C>T, p.Pro257Ser (NM_001407041.1, NM_001407042.1, NM_001407043.1); short protein forms P257S.
Identifiers: ClinVar variation 4170033 (VCV004170033.1).
Genomic context (GRCh38, chr18:51,058,226, plus strand): 5'-CTGTTGCAGATAGCATCAGGGCCTCAGCCAGGACAGCAGCAGAATGGATTTACTGGTCAG[C>T]CAGCTACTTACCATCATAGTATGTACATACTTTAAAAAATCTTTTAAATAGTTGAGAAAA-3'
Protein context (NP_005350.1, residues 247-267): GQQQNGFTGQ[Pro257Ser]ATYHHNSTTT